The following is an entry in ClinVar:

ClinVar aggregate classification (germline): not provided (0 of 4 stars; one submission).

Conditions:
Normal pregnancy. Identifiers: MedGen C0232989.

Submission:

Institute of Molecular and Cell Biology, University of Tartu
No classification provided. Condition: Normal pregnancy. Review status: no classification provided. Collection method: case-control. Allele origin: unknown. Affected: yes. Study: Kasak2014.
Comment: The study aimed to determine the contribution of copy number variants in the genetic etiology of normal and complicated pregnancies. The samples represented (i) maternal blood DNA drawn from healthy pregnant women during 1st or 2nd trimester and (ii) maternal and paternal blood DNA drawn at term pregnancy cases representing normal and complicated gestations (severe preeclampsia, PE; gestational diabetes, GD; small-for-gestational age newborn, SGA; large-for-gestational age newborn, LGA). We performed CNV calling based on genome-wide genotyping dataset (Illumina HumanOmniExpress-24-v1 BeadChip) by applying three algorithms, QuantiSNP, GADA (Genome Alteration Detection Algorithm) and CNstream in parallel. The acquired CNV calls were merged with HD-CNV (Hotspot Detector for Copy Number Variants) program and only the CNVs predicted by at least two programs, were considered in subsequent analysis.

Literature cited by the submitters: PubMed 25666259.

NC_000003.12:g.151958534_151963230del

Variant type: Deletion.
Genome position: GRCh38: chr3:151,958,534-151,963,230. GRCh37 (hg19): chr3:151,676,322-151,681,018.
Identifiers: ClinVar variation 156885 (VCV000156885.3), ClinGen allele CA212051.